The following is an entry in ClinVar:

NM_001100.4(ACTA1):c.131G>T (p.Gly44Val)

Gene: ACTA1 (actin alpha 1, skeletal muscle; minus strand). Cytogenetic location: 1q42.13.
Variant type: single nucleotide variant.
Coding change: c.131G>T on transcript NM_001100.4 (MANE Select); coding-DNA position 131, G replaced by T.
Protein change: p.Gly44Val; replaces glycine 44 with valine.
Molecular consequence: missense variant.
Genome position (GRCh38, 1-based): chr1:229,432,879, C>A on the plus strand (G>T on the coding strand, the complement: ACTA1 is on the minus strand). VCF-style: chr1-229432879-C-A. GRCh37 (hg19) VCF-style: chr1-229568626-C-A.
Other names: short protein forms G44V.
Identifiers: ClinVar variation 1403375 (VCV001403375.8), dbSNP rs1558082125, ClinGen allele CA345151083.
Genomic context (GRCh38, chr1:229,432,879, plus strand): 5'-CTCTTGCTCTGAGCCTCGTCGCCCACGTAGGAATCTTTCTGACCCATACCGACCATGACG[C>A]CCTGCAGAGCCGAGACACCACGCACCCGTTAACGCCGCTCCGGGTGGCACCAGGCTGGCT-3'
Protein context (NP_001091.1, residues 34-54): PSIVGRPRHQ[Gly44Val]VMVGMGQKDS

ClinVar aggregate classification (germline): Uncertain significance (1 of 4 stars; one submission).

Conditions:
Actin accumulation myopathy (CMYO2A). Also called: CONGENITAL MYOPATHY 2A, TYPICAL, AUTOSOMAL DOMINANT; Nemaline myopathy type 3; Myopathy, actin, congenital, with excess of thin myofilaments; Myopathy, actin, congenital, with cores; Nemaline myopathy 3, with intranuclear rods. Identifiers: Orphanet 98904, MedGen C3711389, MONDO:0008070, OMIM 161800.

Submission:

Labcorp Genetics (formerly Invitae), Labcorp
Classification: Uncertain significance for Actin accumulation myopathy. Last evaluated: 2023-10-03. Review status: criteria provided, single submitter. Criteria: Invitae Variant Classification Sherloc (09022015). Collection method: clinical testing. Allele origin: germline.
Comment: This sequence change replaces glycine, which is neutral and non-polar, with valine, which is neutral and non-polar, at codon 44 of the ACTA1 protein (p.Gly44Val). This variant is not present in population databases (gnomAD no frequency). This missense change has been observed in individual(s) with nemaline myopathy (PMID: 12921789). This variant is also known as Gly42Val. ClinVar contains an entry for this variant (Variation ID: 1403375). An algorithm developed to predict the effect of missense changes on protein structure and function (PolyPhen-2) suggests that this variant is likely to be tolerated. In summary, the available evidence is currently insufficient to determine the role of this variant in disease. Therefore, it has been classified as a Variant of Uncertain Significance.

Literature cited by the submitters: PubMed 12921789.